The following is an entry in ClinVar:

NM_005559.4(LAMA1):c.1852_1855del (p.Leu617_Thr618insTer)

Gene: LAMA1 (laminin subunit alpha 1; minus strand). Cytogenetic location: 18p11.31.
Variant type: Deletion.
Coding change: c.1852_1855del on transcript NM_005559.4 (MANE Select); coding-DNA positions 1852 to 1855, 4 bases deleted (ACTT; older notation c.1852_1855delACTT).
Protein change: p.Leu617_Thr618insTer.
Molecular consequence: nonsense.
Genome position (GRCh38, 1-based): chr18:7,034,675-7,034,678, AAGT deleted on the plus strand (ACTT on the coding strand, the reverse complement: LAMA1 is on the minus strand). VCF-style (leftmost placement, unchanged base first): chr18-7034674-AAAGT-A. GRCh37 (hg19) VCF-style: chr18-7034673-AAAGT-A.
Identifiers: ClinVar variation 3776047 (VCV003776047.1).

ClinVar aggregate classification (germline): Likely pathogenic (1 of 4 stars; one submission).

Conditions:
Ataxia - intellectual disability - oculomotor apraxia - cerebellar cysts syndrome. Also called: Poretti-Boltshauser syndrome. Identifiers: Orphanet 370022, MedGen C4014821, MONDO:0014419, OMIM 615960.

Submission:

3billion
Classification: Likely pathogenic for Ataxia - intellectual disability - oculomotor apraxia - cerebellar cysts syndrome. Last evaluated: 2023-06-13. Review status: criteria provided, single submitter. Criteria: ACMG Guidelines, 2015. Collection method: clinical testing. Allele origin: germline. Affected: yes.
Comment: The variant is not observed in the gnomAD v2.1.1 dataset. Predicted Consequence/Location: Stop-gained (nonsense): predicted to result in a loss or disruption of normal protein function through nonsense-mediated decay (NMD) or protein truncation. Multiple pathogenic variants are reported downstream of the variant. Therefore, this variant is classified as Likely pathogenic according to the recommendation of ACMG/AMP guideline.